The following is an entry in ClinVar:

NM_002666.5(PLIN1):c.814G>A (p.Val272Met)

Gene: PLIN1 (perilipin 1; minus strand). Cytogenetic location: 15q26.1.
Variant type: single nucleotide variant.
Coding change: c.814G>A on transcript NM_002666.5 (MANE Select); coding-DNA position 814, G replaced by A.
Protein change: p.Val272Met; replaces valine 272 with methionine.
Molecular consequence: missense variant.
Genome position (GRCh38, 1-based): chr15:89,667,751, C>T on the plus strand (G>A on the coding strand, the complement: PLIN1 is on the minus strand). VCF-style: chr15-89667751-C-T. GRCh37 (hg19) VCF-style: chr15-90210982-C-T.
Other names: c.814G>A, p.Val272Met (NM_001145311.2); short protein forms V272M.
Identifiers: ClinVar variation 393437 (VCV000393437.8), dbSNP rs145476436, ClinGen allele CA7728927.

ClinVar aggregate classification (germline): Benign/Likely benign. Review status: criteria provided, multiple submitters, no conflicts (2 of 4 stars). 4 submissions from 4 submitters: Benign (1); Likely benign (3). Last evaluated 2024-11-27.

Conditions:
Monogenic diabetes. Identifiers: Orphanet 183625, MedGen C3888631, MONDO:0015967.

Allele frequency attached by ClinVar (database versions not stated): gnomAD exomes 0.00062 and 0.00177; gnomAD 0.00083 and 0.00086; TOPMed 0.00097; ESP Exome Variant Server 0.00101; ExAC 0.00305.

Submissions (4):

Blueprint Genetics
Classification: Likely benign. Last evaluated: 2024-11-27. Review status: criteria provided, single submitter. Criteria: ACMG Guidelines, 2015. Collection method: clinical testing. Allele origin: germline.

Labcorp Genetics (formerly Invitae), Labcorp
Classification: Benign. Last evaluated: 2019-12-31. Review status: criteria provided, single submitter. Criteria: Invitae Variant Classification Sherloc (09022015). Collection method: clinical testing. Allele origin: germline.

Personalized Diabetes Medicine Program, University of Maryland School of Medicine
Classification: Likely benign for Monogenic diabetes. Last evaluated: 2015-06-23. Review status: criteria provided, single submitter. Criteria: ACMG Guidelines, 2015. Collection method: research. Allele origin: unknown. Observed: 1 variant allele, 1 heterozygote.
Comment: ACMG Criteria: BS2, BP4

Breakthrough Genomics
Classification: Likely benign. Review status: criteria provided, single submitter. Criteria: ACMG Guidelines, 2015. Collection method: not provided. Allele origin: germline. Inheritance: Autosomal dominant inheritance. Affected: yes.